The following is an entry in ClinVar:

NM_000747.3(CHRNB1):c.371A>T (p.Asp124Val)

Gene: CHRNB1 (cholinergic receptor nicotinic beta 1 subunit; plus strand). Cytogenetic location: 17p13.1.
Variant type: single nucleotide variant.
Coding change: c.371A>T on transcript NM_000747.3 (MANE Select); coding-DNA position 371, A replaced by T.
Protein change: p.Asp124Val; replaces aspartic acid 124 with valine.
Molecular consequence: missense variant.
Genome position (GRCh38, 1-based): chr17:7,447,060, A>T. VCF-style: chr17-7447060-A-T. GRCh37 (hg19) VCF-style: chr17-7350379-A-T.
Other names: short protein forms D124V.
Identifiers: ClinVar variation 3696854 (VCV003696854.2).
Genomic context (GRCh38, chr17:7,447,060, plus strand): 5'-CCGGGCGCGGGGCCTGATCCCTGATGAGATCCCTTCTCTGCAGCAATGATGGGAATTTTG[A>T]CGTGGCTCTGGACATTAGCGTCGTGGTGTCCTCCGACGGCTCCGTGCGTTGGCAACCCCC-3'
Protein context (NP_000738.2, residues 114-134): VLLNNNDGNF[Asp124Val]VALDISVVVS

ClinVar aggregate classification (germline): Uncertain significance (1 of 4 stars; one submission).

Conditions:
Congenital myasthenic syndrome 2A. Also called: Myasthenic syndrome, congenital, 2a, slow-channel. Identifiers: Orphanet 590, MedGen C4225374, MONDO:0014581, OMIM 616313.

gnomAD v4.1: 2 of 1,614,126 alleles (0.00012%); highest among the groups gnomAD compares: Non-Finnish European, 0.00017%; no homozygotes.

Submission:

Labcorp Genetics (formerly Invitae), Labcorp
Classification: Uncertain significance for Congenital myasthenic syndrome 2A. Last evaluated: 2024-06-12. Review status: criteria provided, single submitter. Criteria: Invitae Variant Classification Sherloc (09022015). Collection method: clinical testing. Allele origin: germline.
Comment: This sequence change replaces aspartic acid, which is acidic and polar, with valine, which is neutral and non-polar, at codon 124 of the CHRNB1 protein (p.Asp124Val). This variant is present in population databases (rs761442846, gnomAD 0.0009%). This variant has not been reported in the literature in individuals affected with CHRNB1-related conditions. Advanced modeling of protein sequence and biophysical properties (such as structural, functional, and spatial information, amino acid conservation, physicochemical variation, residue mobility, and thermodynamic stability) performed at Invitae indicates that this missense variant is not expected to disrupt CHRNB1 protein function with a negative predictive value of 80%. In summary, the available evidence is currently insufficient to determine the role of this variant in disease. Therefore, it has been classified as a Variant of Uncertain Significance.